The following is an entry in ClinVar:

NM_004423.4(DVL3):c.735C>T (p.Leu245=)

Gene: DVL3 (dishevelled segment polarity protein 3; plus strand). Cytogenetic location: 3q27.1.
Variant type: single nucleotide variant.
Coding change: c.735C>T on transcript NM_004423.4 (MANE Select); coding-DNA position 735, C replaced by T.
Protein change: p.Leu245=; no amino-acid change (leucine 245 retained).
Molecular consequence: synonymous variant.
Genome position (GRCh38, 1-based): chr3:184,165,463, C>T. VCF-style: chr3-184165463-C-T. GRCh37 (hg19) VCF-style: chr3-183883251-C-T.
Identifiers: ClinVar variation 4977256 (VCV004977256.1).

ClinVar aggregate classification (germline): Likely benign (1 of 4 stars; one submission).

Conditions:
DVL3-related disorder. Also called: DVL3-related condition.

gnomAD v4.1: 4 of 1,614,122 alleles (0.00025%); highest among the groups gnomAD compares: East Asian, 0.0067%; no homozygotes.

Submission:

PreventionGenetics, part of Exact Sciences
Classification: Likely benign for DVL3-related condition. Last evaluated: 2026-04-28. Review status: criteria provided, single submitter. Criteria: ACMG Guidelines, 2015. Collection method: clinical testing. Allele origin: germline.
Comment: This variant is classified as likely benign based on ACMG/AMP sequence variant interpretation guidelines (Richards et al. 2015 PMID: 25741868, with internal and published modifications).